The following is an entry in ClinVar:

ClinVar aggregate classification (germline): Pathogenic (1 of 4 stars; one submission).

Conditions:
Spastic paraplegia. Identifiers: MedGen C0037772, HP:0001258.

Submission:

Labcorp Genetics (formerly Invitae), Labcorp
Classification: Pathogenic for Spastic paraplegia. Last evaluated: 2026-01-28. Review status: criteria provided, single submitter. Criteria: Invitae Variant Classification Sherloc (09022015). Collection method: clinical testing. Allele origin: germline.
Comment: This sequence change creates a premature translational stop signal (p.Arg3546Serfs*3) in the SACS gene. While this is not anticipated to result in nonsense mediated decay, it is expected to disrupt the last 1034 amino acid(s) of the SACS protein. This variant is not present in population databases (gnomAD no frequency). This variant has not been reported in the literature in individuals affected with SACS-related conditions. This variant disrupts a region of the SACS protein in which other variant(s) (p.Asn4549Asp) have been determined to be pathogenic (PMID: 15156359, 21507954). This suggests that this is a clinically significant region of the protein, and that variants that disrupt it are likely to be disease-causing. For these reasons, this variant has been classified as Pathogenic.

Literature cited by the submitters: PubMed 15156359; PubMed 21507954.

NM_014363.6(SACS):c.10638_10639del (p.Arg3546fs)

Gene: SACS (sacsin molecular chaperone; minus strand). Cytogenetic location: 13q12.12.
Variant type: Microsatellite.
Coding change: c.10638_10639del on transcript NM_014363.6 (MANE Select); coding-DNA positions 10638 to 10639, 2 bases deleted (AG; older notation c.10638_10639delAG).
Protein change: p.Arg3546fs; shifts the reading frame from arginine 3546.
Molecular consequence: frameshift variant.
Genome position (GRCh38, 1-based): chr13:23,333,237-23,333,238, CT deleted on the plus strand (AG on the coding strand, the reverse complement: SACS is on the minus strand); deleting any 2 consecutive bases within chr13:23,333,237-23,333,241 gives the same sequence; the c. name uses the placement nearest the transcript's 3' end. VCF-style (leftmost placement, unchanged base first): chr13-23333236-ACT-A. GRCh37 (hg19) VCF-style: chr13-23907375-ACT-A.
Other names: c.10197_10198del, p.Arg3399fs (NM_001278055.2); c.10665_10666del, p.Arg3555fs (NM_001437336.1); short protein forms R3399fs, R3555fs, R3546fs.
Identifiers: ClinVar variation 4736437 (VCV004736437.1).
Genomic context (GRCh38, chr13:23,333,236, plus strand): 5'-TCCAATTTCTTAAAGAAATCATTAGGAATAAACAATTTTTCAGGAAGCATAACTTCAAAA[ACT>A]CTCACAGTTCTATCATAGAAATGCTTTGCTTGCTTTAGTCTACTGTTAGCATCATGGATT-3'